The following is an entry in ClinVar:

NM_000059.4(BRCA2):c.8755-1_8776dup

Gene: BRCA2 (BRCA2 DNA repair associated; plus strand). Cytogenetic location: 13q13.1.
Variant type: Duplication.
Coding change: c.8755-1_8776dup on transcript NM_000059.4 (MANE Select); the canonical splice acceptor site of the intron before coding-DNA position 8755 through coding-DNA position 8776, 23 bases duplicated (GGGTTATTTCAGTGAAGAGCAGT).
Molecular consequence: splice acceptor variant.
Genome position (GRCh38, 1-based): chr13:32,379,316-32,379,338, GGGTTATTTCAGTGAAGAGCAGT duplicated. VCF-style (leftmost placement, unchanged base first): chr13-32379315-A-AGGGTTATTTCAGTGAAGAGCAGT. GRCh37 (hg19) VCF-style: chr13-32953452-A-AGGGTTATTTCAGTGAAGAGCAGT.
Identifiers: ClinVar variation 822709 (VCV000822709.5), dbSNP rs1593936490, ClinGen allele CA915948608.

ClinVar aggregate classification (germline): Pathogenic. Review status: criteria provided, multiple submitters, no conflicts (2 of 4 stars). 2 submissions from 2 submitters: Pathogenic (2). Last evaluated 2023-04-13.

Conditions:
Hereditary cancer-predisposing syndrome. Also called: Hereditary Cancer Syndrome; Neoplastic Syndromes, Hereditary; Hereditary neoplastic syndrome; Tumor predisposition. Identifiers: Orphanet 140162, MedGen C0027672, MeSH D009386, MONDO:0015356.
Breast-ovarian cancer, familial, susceptibility to, 2 (BROVCA2). Also called: BRCA2 Hereditary Breast and Ovarian Cancer. Identifiers: Orphanet 145, MedGen C2675520, MONDO:0012933, OMIM 612555. Disease mechanism: loss of function.

Submissions (2):

Myriad Genetics, Inc.
Classification: Pathogenic for Breast-ovarian cancer, familial, susceptibility to, 2. Last evaluated: 2023-04-13. Review status: criteria provided, single submitter. Criteria: Myriad Autosomal Dominant, Autosomal Recessive and X-Linked Classification Criteria (2023). Collection method: clinical testing. Allele origin: unknown.
Comment: This variant is considered pathogenic. This variant creates a frameshift predicted to result in premature protein truncation.

Ambry Genetics
Classification: Pathogenic for Hereditary cancer-predisposing syndrome. Last evaluated: 2017-12-28. Review status: criteria provided, single submitter. Criteria: Ambry Variant Classification Scheme 2023. Collection method: clinical testing. Allele origin: germline.
Comment: The c.8755-1_8776dup23 pathogenic mutation, located in the BRCA2 gene, results from a duplication of 23 nucleotides including part of the canonical acceptor site starting at positions c.8755-1 to c.8776. Alterations that impact the canonical splice site are expected to cause aberrant splicing, resulting in an abnormal protein or a transcript that is subject to nonsense-mediated mRNA decay. However, the native splice acceptor site is maintained based on the BDGP and ESEfinder splice site prediction tools, and this alteration is predicted to cause a translational frameshift with an alternate stop codon (p.L2926Wfs*9), and would be expected to result in loss of function by premature protein truncation or nonsense-mediated mRNA decay. As such, this alteration is interpreted as a disease-causing mutation.